The following is an entry in ClinVar:

NM_206933.4(USH2A):c.8504C>A (p.Ser2835Ter)

Gene: USH2A (usherin; minus strand). Cytogenetic location: 1q41.
Variant type: single nucleotide variant.
Coding change: c.8504C>A on transcript NM_206933.4 (MANE Select); coding-DNA position 8504, C replaced by A.
Protein change: p.Ser2835Ter; replaces serine 2835 with a stop codon.
Molecular consequence: nonsense.
Genome position (GRCh38, 1-based): chr1:215,878,818, G>T on the plus strand (C>A on the coding strand, the complement: USH2A is on the minus strand). VCF-style: chr1-215878818-G-T. GRCh37 (hg19) VCF-style: chr1-216052160-G-T.
Other names: short protein forms S2835*.
Identifiers: ClinVar variation 5012439 (VCV005012439.1).

ClinVar aggregate classification (germline): Pathogenic (1 of 4 stars; one submission).

Conditions:
USH2A-related disorder. Also called: USH2A-related condition; USH2A-related disorders. Identifiers: MedGen CN239332.

Submission:

Myriad Genetics, Inc.
Classification: Pathogenic for USH2A-related disorder. Last evaluated: 2023-10-27. Review status: criteria provided, single submitter. Criteria: Myriad Autosomal Dominant, Autosomal Recessive and X-Linked Classification Criteria (2023). Collection method: clinical testing. Allele origin: unknown.
Comment: NM_206933.2(USH2A):c.8504C>A(S2835*) is expected to be pathogenic in the context of USH2A-related disorders. This variant is predicted to lead to an abnormal or absent protein product due to the creation of a premature termination codon in USH2A, a gene where loss-of-function variants are known to be pathogenic. Please note: this variant was assessed in the context of healthy population screening.